The following is an entry in ClinVar:

NM_003906.5(MCM3AP):c.3077T>C (p.Leu1026Pro)

Gene: MCM3AP (minichromosome maintenance complex component 3 associated protein; minus strand). Cytogenetic location: 21q22.3.
Variant type: single nucleotide variant.
Coding change: c.3077T>C on transcript NM_003906.5 (MANE Select); coding-DNA position 3077, T replaced by C.
Protein change: p.Leu1026Pro; replaces leucine 1026 with proline.
Molecular consequence: missense variant.
Genome position (GRCh38, 1-based): chr21:46,265,478, A>G on the plus strand (T>C on the coding strand, the complement: MCM3AP is on the minus strand). VCF-style: chr21-46265478-A-G. GRCh37 (hg19) VCF-style: chr21-47685392-A-G.
Other names: short protein forms L1026P.
Identifiers: ClinVar variation 2112083 (VCV002112083.4), dbSNP rs746572375, ClinGen allele CA410560402.

ClinVar aggregate classification (germline): Uncertain significance (1 of 4 stars; one submission).

Allele frequency attached by ClinVar (database versions not stated): gnomAD exomes below 0.00001.
gnomAD v4.1: 1 of 1,606,796 alleles (0.000062%); highest among the groups gnomAD compares: African/African-American, 0.0014%; no homozygotes.

Submission:

Labcorp Genetics (formerly Invitae), Labcorp
Classification: Uncertain significance. Last evaluated: 2022-03-14. Review status: criteria provided, single submitter. Criteria: Invitae Variant Classification Sherloc (09022015). Collection method: clinical testing. Allele origin: germline.
Comment: In summary, the available evidence is currently insufficient to determine the role of this variant in disease. Therefore, it has been classified as a Variant of Uncertain Significance. Algorithms developed to predict the effect of missense changes on protein structure and function output the following: SIFT: "Tolerated"; PolyPhen-2: "Benign"; Align-GVGD: "Class C0". The proline amino acid residue is found in multiple mammalian species, which suggests that this missense change does not adversely affect protein function. This variant has not been reported in the literature in individuals affected with MCM3AP-related conditions. This variant is not present in population databases (gnomAD no frequency). This sequence change replaces leucine, which is neutral and non-polar, with proline, which is neutral and non-polar, at codon 1026 of the MCM3AP protein (p.Leu1026Pro).